The following is an entry in ClinVar:

NM_000051.4(ATM):c.8763G>C (p.Thr2921=)

Genes: ATM (ATM serine/threonine kinase; plus strand), C11orf65 (chromosome 11 open reading frame 65; minus strand). Cytogenetic location: 11q22.3.
Variant type: single nucleotide variant.
Coding change: c.8763G>C on transcript NM_000051.4 (MANE Select); coding-DNA position 8763, G replaced by C.
Protein change: p.Thr2921=; no amino-acid change (threonine 2921 retained).
Molecular consequence: synonymous variant. On other transcripts: intron variant (2).
Genome position (GRCh38, 1-based): chr11:108,353,857, G>C. VCF-style: chr11-108353857-G-C. GRCh37 (hg19) VCF-style: chr11-108224584-G-C.
Other names: c.8763G>C, p.Thr2921= (NM_001351834.2); c.640+32063C>G (NM_001330368.2); c.695-18565C>G (NM_001351110.2).
Identifiers: ClinVar variation 3254038 (VCV003254038.1), dbSNP rs781528244.

ClinVar aggregate classification (germline): Benign (1 of 4 stars; one submission).

Conditions:
Familial cancer of breast. Also called: hereditary breast carcinoma; BREAST CANCER, FAMILIAL; Hereditary breast cancer. Identifiers: Orphanet 227535, MedGen C0346153, MONDO:0016419, OMIM 114480. Disease mechanism: loss of function.

Submission:

Myriad Genetics, Inc.
Classification: Benign for Familial cancer of breast. Last evaluated: 2024-06-20. Review status: criteria provided, single submitter. Criteria: Myriad Autosomal Dominant, Autosomal Recessive and X-Linked Classification Criteria (2023). Collection method: clinical testing. Allele origin: unknown.
Comment: This variant is considered benign. This variant is a silent/synonymous amino acid change and it is not expected to impact splicing.